The following is an entry in ClinVar:

NM_000257.4(MYH7):c.1474C>G (p.His492Asp)

Gene: MYH7 (myosin heavy chain 7; minus strand). Cytogenetic location: 14q11.2.
Variant type: single nucleotide variant.
Coding change: c.1474C>G on transcript NM_000257.4 (MANE Select); coding-DNA position 1474, C replaced by G.
Protein change: p.His492Asp; replaces histidine 492 with aspartic acid.
Molecular consequence: missense variant.
Genome position (GRCh38, 1-based): chr14:23,428,604, G>C on the plus strand (C>G on the coding strand, the complement: MYH7 is on the minus strand). VCF-style: chr14-23428604-G-C. GRCh37 (hg19) VCF-style: chr14-23897813-G-C.
Other names: c.1474C>G, p.His492Asp (NM_001407004.1); short protein forms H492D.
Identifiers: ClinVar variation 3230896 (VCV003230896.1), dbSNP rs2502300235, ClinGen allele CA389050515.

ClinVar aggregate classification (germline): Uncertain significance (1 of 4 stars; one submission).

Conditions:
Cardiovascular phenotype. Identifiers: MedGen CN230736.

Submission:

Ambry Genetics
Classification: Uncertain significance for Cardiovascular phenotype. Last evaluated: 2023-12-01. Review status: criteria provided, single submitter. Criteria: Ambry Variant Classification Scheme 2023. Collection method: clinical testing. Allele origin: germline.
Comment: The p.H492D variant (also known as c.1474C>G), located in coding exon 13 of the MYH7 gene, results from a C to G substitution at nucleotide position 1474. The histidine at codon 492 is replaced by aspartic acid, an amino acid with similar properties. This amino acid position is highly conserved in available vertebrate species. In addition, this alteration is predicted to be deleterious by in silico analysis. Since supporting evidence is limited at this time, the clinical significance of this alteration remains unclear.